The following is an entry in ClinVar:

NM_020738.4(KIDINS220):c.3072T>C (p.Asp1024=)

Gene: KIDINS220 (kinase D interacting substrate 220; minus strand). Cytogenetic location: 2p25.1.
Variant type: single nucleotide variant.
Coding change: c.3072T>C on transcript NM_020738.4 (MANE Select); coding-DNA position 3072, T replaced by C.
Protein change: p.Asp1024=; no amino-acid change (aspartic acid 1024 retained).
Molecular consequence: synonymous variant. On other transcripts: non-coding transcript variant (2).
Genome position (GRCh38, 1-based): chr2:8,751,584, A>G on the plus strand (T>C on the coding strand, the complement: KIDINS220 is on the minus strand). VCF-style: chr2-8751584-A-G. GRCh37 (hg19) VCF-style: chr2-8891714-A-G.
Other names: c.3075T>C, p.Asp1025= (NM_001348729.2, NM_001348731.2, NM_001348734.2 and 2 more transcripts); c.3072T>C, p.Asp1024= (NM_001348732.2, NM_001348735.2, NM_001348738.2 and 3 more transcripts); c.2946T>C, p.Asp982= (NM_001348736.2).
Identifiers: ClinVar variation 710541 (VCV000710541.43), dbSNP rs372134421, ClinGen allele CA1519780.

ClinVar aggregate classification (germline): Conflicting classifications of pathogenicity. Review status: criteria provided, conflicting classifications (1 of 4 stars). 5 submissions from 5 submitters: Uncertain significance (1); Likely benign (3). 1 of the submissions does not count toward it. Last evaluated 2026-01-15.

Conditions:
KIDINS220-related disorder. Also called: KIDINS220-related condition.

Allele frequency attached by ClinVar (database versions not stated): TOPMed 0.00042; gnomAD 0.00050 and 0.00052; gnomAD exomes 0.00051 and 0.00072; ExAC 0.00052; ESP Exome Variant Server 0.00094.
gnomAD v4.1: 1,128 of 1,611,446 alleles (0.07%); highest among the groups gnomAD compares: Non-Finnish European, 0.087%; no homozygotes.

Submissions (5):

Labcorp Genetics (formerly Invitae), Labcorp
Classification: Likely benign. Last evaluated: 2026-01-15. Review status: criteria provided, single submitter. Criteria: Invitae Variant Classification Sherloc (09022015). Collection method: clinical testing. Allele origin: germline.

Greenwood Genetic Center Diagnostic Laboratories, Greenwood Genetic Center
Classification: Uncertain significance. Last evaluated: 2025-03-10. Review status: criteria provided, single submitter. Criteria: ACMG Guidelines, 2015. Collection method: clinical testing. Allele origin: germline.
Comment: BP4

Blueprint Genetics
Classification: Likely benign. Last evaluated: 2024-10-30. Review status: criteria provided, single submitter. Criteria: ACMG Guidelines, 2015. Collection method: clinical testing. Allele origin: germline.

CeGaT Center for Human Genetics Tuebingen
Classification: Likely benign. Last evaluated: 2024-07-01. Review status: criteria provided, single submitter. Criteria: CeGaT Center For Human Genetics Tuebingen Variant Classification Criteria Version 2. Collection method: clinical testing. Allele origin: germline. Affected: yes. Observed: 3 variant alleles.
Comment: KIDINS220: BP4, BP7

PreventionGenetics, part of Exact Sciences
Classification: Likely benign for KIDINS220-related condition. Last evaluated: 2021-07-20. Review status: no assertion criteria provided. Collection method: clinical testing. Allele origin: germline. Not counted in ClinVar's aggregate classification.
Comment: This variant is classified as likely benign based on ACMG/AMP sequence variant interpretation guidelines (Richards et al. 2015 PMID: 25741868, with internal and published modifications).